The following is an entry in ClinVar:

NM_006904.7(PRKDC):c.1361A>G (p.Gln454Arg)

Gene: PRKDC (protein kinase, DNA-activated, catalytic subunit; minus strand). Cytogenetic location: 8q11.21.
Variant type: single nucleotide variant.
Coding change: c.1361A>G on transcript NM_006904.7 (MANE Select); coding-DNA position 1361, A replaced by G.
Protein change: p.Gln454Arg; replaces glutamine 454 with arginine.
Molecular consequence: missense variant.
Genome position (GRCh38, 1-based): chr8:47,935,818, T>C on the plus strand (A>G on the coding strand, the complement: PRKDC is on the minus strand). VCF-style: chr8-47935818-T-C. GRCh37 (hg19) VCF-style: chr8-48848378-T-C.
Other names: c.1361A>G, p.Gln454Arg (NM_001081640.2); short protein forms Q454R.
Identifiers: ClinVar variation 3425319 (VCV003425319.1).
Genomic context (GRCh38, chr8:47,935,818, plus strand): 5'-ACTGGCCCTTTTGCTGCCAAAGCTAGGAACACCTTCACTATGGCTCTGCAACACACCAGC[T>C]GCATTTTTGGACTGTACTGTGGGAAACTGTCTATCTGCATCACCACGAGGTGCTCCAGAA-3'
Protein context (NP_008835.5, residues 444-464): DSFPQYSPKM[Gln454Arg]LVCCRAIVKV

ClinVar aggregate classification (germline): Uncertain significance (1 of 4 stars; one submission).

Submission:

Ambry Genetics
Classification: Uncertain significance. Last evaluated: 2024-09-02. Review status: criteria provided, single submitter. Criteria: Ambry Variant Classification Scheme 2023. Collection method: clinical testing. Allele origin: germline.
Comment: The p.Q454R variant (also known as c.1361A>G), located in coding exon 13 of the PRKDC gene, results from an A to G substitution at nucleotide position 1361. The glutamine at codon 454 is replaced by arginine, an amino acid with highly similar properties. This amino acid position is conserved. In addition, the in silico prediction for this alteration is inconclusive. Based on the available evidence, the clinical significance of this variant remains unclear.